The following is an entry in ClinVar:

ClinVar aggregate classification (germline): Uncertain significance (1 of 4 stars; one submission).

Submission:

CeGaT Center for Human Genetics Tuebingen
Classification: Uncertain significance. Last evaluated: 2026-09-01. Review status: criteria provided, single submitter. Criteria: CeGaT Center For Human Genetics Tuebingen Variant Classification Criteria Version 2. Collection method: clinical testing. Allele origin: germline. Affected: yes. Observed: 1 variant allele.
Comment: CAMK2D: PM4:Supporting

NM_001321571.2(CAMK2D):c.1025_1027dup (p.Asn342_Ile343insAsn)

Gene: CAMK2D (calcium/calmodulin dependent protein kinase II delta; minus strand). Cytogenetic location: 4q26.
Variant type: Duplication.
Coding change: c.1025_1027dup on transcript NM_001321571.2 (MANE Select); coding-DNA positions 1025 to 1027, 3 bases duplicated (ATA; older notation c.1025_1027dupATA).
Protein change: p.Asn342_Ile343insAsn.
Molecular consequence: intron variant (on NM_001321578.2).
Genome position (GRCh38, 1-based): chr4:113,504,993-113,504,995, TAT duplicated on the plus strand (ATA on the coding strand, the reverse complement: CAMK2D is on the minus strand); duplicating any 3 consecutive bases within chr4:113,504,993-113,504,996 gives the same sequence; the c. name uses the placement nearest the transcript's 3' end. VCF-style (leftmost placement, unchanged base first): chr4-113504992-A-ATAT. GRCh37 (hg19) VCF-style: chr4-114426148-A-ATAT.
Other names: c.1025_1027dup, p.Asn342_Ile343insAsn (NM_001321567.2, NM_001321569.2, NM_001321570.2 and 3 more transcripts); c.1022_1024dup, p.Asn341_Ile342insAsn (NM_001321586.2, NM_001399855.1, NM_001399856.1); c.638_640dup, p.Asn213_Ile214insAsn (NM_001399863.1); c.397-2018_397-2016dup (NM_001321578.2, NM_001321585.2); c.982-2018_982-2016dup (NM_001321577.2, NM_001321584.2, NM_001321588.2); c.985-4484_985-4482dup (NM_001399858.1, NM_172128.3, NM_001221.4 and 2 more transcripts); c.985-2018_985-2016dup (NM_001321575.2, NM_001396964.1, NM_001321583.2 and 4 more transcripts); c.1018-2018_1018-2016dup (NM_001321568.2, NM_001321587.2, NM_001321573.2 and 1 more transcripts); and 8 more.
Identifiers: ClinVar variation 5041702 (VCV005041702.1).